The following is an entry in ClinVar:

NM_018474.6(KIZ):c.1316C>G (p.Ser439Ter)

Gene: KIZ (kizuna centrosomal protein; plus strand). Cytogenetic location: 20p11.23.
Variant type: single nucleotide variant.
Coding change: c.1316C>G on transcript NM_018474.6 (MANE Select); coding-DNA position 1316, C replaced by G.
Protein change: p.Ser439Ter; replaces serine 439 with a stop codon.
Molecular consequence: nonsense.
Genome position (GRCh38, 1-based): chr20:21,163,123, C>G. VCF-style: chr20-21163123-C-G. GRCh37 (hg19) VCF-style: chr20-21143764-C-G.
Other names: c.1007C>G, p.Ser336Ter (NM_001163022.3, NM_001352435.2); c.917C>G, p.Ser306Ter (NM_001163023.3); c.1169C>G, p.Ser390Ter (NM_001276389.2); c.1316C>G, p.Ser439Ter (NM_001352434.2); c.974C>G, p.Ser325Ter (NM_001352436.2); short protein forms S306*, S325*, S336*, S390*, S439*.
Identifiers: ClinVar variation 3692927 (VCV003692927.2).

ClinVar aggregate classification (germline): Pathogenic (1 of 4 stars; one submission).

gnomAD v4.1: 3 of 1,612,756 alleles (0.00019%); highest among the groups gnomAD compares: Non-Finnish European, 0.00025%; no homozygotes.

Submission:

Labcorp Genetics (formerly Invitae), Labcorp
Classification: Pathogenic. Last evaluated: 2024-07-26. Review status: criteria provided, single submitter. Criteria: Invitae Variant Classification Sherloc (09022015). Collection method: clinical testing. Allele origin: germline.
Comment: This sequence change creates a premature translational stop signal (p.Ser439*) in the KIZ gene. It is expected to result in an absent or disrupted protein product. Loss-of-function variants in KIZ are known to be pathogenic (PMID: 24680887, 29057815). This variant is not present in population databases (gnomAD no frequency). This variant has not been reported in the literature in individuals affected with KIZ-related conditions. For these reasons, this variant has been classified as Pathogenic.

Literature cited by the submitters: PubMed 24680887; PubMed 29057815.